The following is an entry in ClinVar:

NM_000419.5(ITGA2B):c.244G>C (p.Gly82Arg)

Gene: ITGA2B (integrin subunit alpha 2b; minus strand). Cytogenetic location: 17q21.31.
Variant type: single nucleotide variant.
Coding change: c.244G>C on transcript NM_000419.5 (MANE Select); coding-DNA position 244, G replaced by C.
Protein change: p.Gly82Arg; replaces glycine 82 with arginine.
Molecular consequence: missense variant.
Genome position (GRCh38, 1-based): chr17:44,386,076, C>G on the plus strand (G>C on the coding strand, the complement: ITGA2B is on the minus strand). VCF-style: chr17-44386076-C-G. GRCh37 (hg19) VCF-style: chr17-42463444-C-G.
Other names: short protein forms G82R.
Identifiers: ClinVar variation 4747516 (VCV004747516.1).

ClinVar aggregate classification (germline): Uncertain significance (1 of 4 stars; one submission).

Conditions:
Glanzmann thrombasthenia. Also called: BLEEDING DISORDER, PLATELET-TYPE, 2; THROMBASTHENIA OF GLANZMANN AND NAEGELI; PLATELET GLYCOPROTEIN IIb-IIIa DEFICIENCY; Glanzmann's thrombasthenia; Thrombasthenia. Identifiers: Orphanet 849, MedGen C0040015, MONDO:0100326.

Submission:

Labcorp Genetics (formerly Invitae), Labcorp
Classification: Uncertain significance for Glanzmann thrombasthenia. Last evaluated: 2025-12-31. Review status: criteria provided, single submitter. Criteria: Invitae Variant Classification Sherloc (09022015). Collection method: clinical testing. Allele origin: germline.
Comment: This sequence change replaces glycine, which is neutral and non-polar, with arginine, which is basic and polar, at codon 82 of the ITGA2B protein (p.Gly82Arg). This variant is not present in population databases (gnomAD no frequency). This variant has not been reported in the literature in individuals affected with ITGA2B-related conditions. Invitae Evidence Modeling of protein sequence and biophysical properties (such as structural, functional, and spatial information, amino acid conservation, physicochemical variation, residue mobility, and thermodynamic stability) indicates that this missense variant is expected to disrupt ITGA2B protein function with a positive predictive value of 95%. In summary, the available evidence is currently insufficient to determine the role of this variant in disease. Therefore, it has been classified as a Variant of Uncertain Significance.